The following is an entry in ClinVar:

NM_001330701.2(AGTPBP1):c.2186+10T>G

Gene: AGTPBP1 (ATP/GTP binding carboxypeptidase 1; minus strand). Cytogenetic location: 9q21.33.
Variant type: single nucleotide variant.
Coding change: c.2186+10T>G on transcript NM_001330701.2 (MANE Select); 10 bases into the intron after coding-DNA position 2186, T replaced by G.
Molecular consequence: intron variant.
Genome position (GRCh38, 1-based): chr9:85,619,205, A>C on the plus strand (T>G on the coding strand, the complement: AGTPBP1 is on the minus strand). VCF-style: chr9-85619205-A-C. GRCh37 (hg19) VCF-style: chr9-88234120-A-C.
Other names: c.2222+10T>G (NM_001286717.1); c.2342+10T>G (NM_001286715.1); c.2066+10T>G (NM_015239.3).
Identifiers: ClinVar variation 3044308 (VCV003044308.2), dbSNP rs76790177, ClinGen allele CA5106379.

ClinVar aggregate classification (germline): Benign (0 of 4 stars; one submission).

Conditions:
AGTPBP1-related disorder. Also called: AGTPBP1-related condition.

Allele frequency attached by ClinVar (database versions not stated): gnomAD exomes 0.00120; ExAC 0.00420; 1000 Genomes Project 30x 0.01280; 1000 Genomes Project 0.01338; ESP Exome Variant Server 0.01339.
gnomAD v4.1: 3,811 of 1,610,920 alleles (0.24%); highest among the groups gnomAD compares: African/African-American, 4.4%; 71 homozygotes.

Submission:

PreventionGenetics, part of Exact Sciences
Classification: Benign for AGTPBP1-related condition. Last evaluated: 2019-07-12. Review status: no assertion criteria provided. Collection method: clinical testing. Allele origin: germline.
Comment: This variant is classified as benign based on ACMG/AMP sequence variant interpretation guidelines (Richards et al. 2015 PMID: 25741868, with internal and published modifications).